The following is an entry in ClinVar:

ClinVar aggregate classification (germline): Uncertain significance (1 of 4 stars; one submission).

Allele frequency attached by ClinVar (database versions not stated): TOPMed below 0.00001; gnomAD 0.00001; gnomAD exomes 0.00001 and 0.00003; ExAC 0.00004.
gnomAD v4.1: 17 of 1,605,014 alleles (0.0011%); highest among the groups gnomAD compares: Admixed American, 0.0051%; no homozygotes.

Submission:

Labcorp Genetics (formerly Invitae), Labcorp
Classification: Uncertain significance. Last evaluated: 2022-08-23. Review status: criteria provided, single submitter. Criteria: Invitae Variant Classification Sherloc (09022015). Collection method: clinical testing. Allele origin: germline.
Comment: ClinVar contains an entry for this variant (Variation ID: 1416176). Algorithms developed to predict the effect of missense changes on protein structure and function output the following: SIFT: "Tolerated"; PolyPhen-2: "Benign"; Align-GVGD: "Class C0". The histidine amino acid residue is found in multiple mammalian species, which suggests that this missense change does not adversely affect protein function. In summary, the available evidence is currently insufficient to determine the role of this variant in disease. Therefore, it has been classified as a Variant of Uncertain Significance. This variant has not been reported in the literature in individuals affected with FSCN2-related conditions. This sequence change replaces arginine, which is basic and polar, with histidine, which is basic and polar, at codon 339 of the FSCN2 protein (p.Arg339His). This variant is present in population databases (rs762654798, gnomAD 0.007%).

NM_012418.4(FSCN2):c.1016G>A (p.Arg339His)

Gene: FSCN2 (fascin actin-bundling protein 2, retinal; plus strand). Cytogenetic location: 17q25.3.
Variant type: single nucleotide variant.
Coding change: c.1016G>A on transcript NM_012418.4 (MANE Select); coding-DNA position 1016, G replaced by A.
Protein change: p.Arg339His; replaces arginine 339 with histidine.
Molecular consequence: missense variant.
Genome position (GRCh38, 1-based): chr17:81,536,178, G>A. VCF-style: chr17-81536178-G-A. GRCh37 (hg19) VCF-style: chr17-79503204-G-A.
Other names: c.1016G>A, p.Arg339His (NM_001077182.3); short protein forms R339H.
Identifiers: ClinVar variation 1416176 (VCV001416176.6), dbSNP rs762654798, ClinGen allele CA8836926.
Genomic context (GRCh38, chr17:81,536,178, plus strand): 5'-TGAGGAGACCTTTTGCTGCTCCCTCCAGTTCTGCCAACACCATGTTTGAGATGGAGTGGC[G>A]TGGCCGGCGGGTAGCACTCAAAGCCAGCAACGGGCGCTACGTGTGCATGAAGAAGAATGG-3'
Protein context (NP_036550.1, residues 329-349): SANTMFEMEW[Arg339His]GRRVALKASN